The following is an entry in ClinVar:

NM_020297.4(ABCC9):c.1433C>T (p.Ala478Val)

Gene: ABCC9 (ATP binding cassette subfamily C member 9; minus strand). Cytogenetic location: 12p12.1.
Variant type: single nucleotide variant.
Coding change: c.1433C>T on transcript NM_020297.4 (MANE Select); coding-DNA position 1433, C replaced by T.
Protein change: p.Ala478Val; replaces alanine 478 with valine.
Molecular consequence: missense variant.
Genome position (GRCh38, 1-based): chr12:21,908,099, G>A on the plus strand (C>T on the coding strand, the complement: ABCC9 is on the minus strand). VCF-style: chr12-21908099-G-A. GRCh37 (hg19) VCF-style: chr12-22061033-G-A.
Other names: c.1433C>T, p.Ala478Val (NM_001377273.1, NM_005691.4); c.569C>T, p.Ala190Val (NM_001377274.1); c.1433C>T (NM_020297.2); short protein forms A478V, A190V.
Identifiers: ClinVar variation 31949 (VCV000031949.3), dbSNP rs387907211, ClinGen allele CA260070.

ClinVar aggregate classification (germline): Likely pathogenic. Review status: criteria provided, single submitter (1 of 4 stars). 2 submissions from 2 submitters: Likely pathogenic (1). 1 of the submissions does not count toward it. Last evaluated 2025-05-28.

Conditions:
Hypertrichotic osteochondrodysplasia Cantu type. Also called: Cantú Syndrome; Cantu Syndrome. Identifiers: Orphanet 1517, MedGen C0795905, MONDO:0009406, OMIM 239850.

Submissions (2):

GeneDx
Classification: Likely pathogenic. Last evaluated: 2025-05-28. Review status: criteria provided, single submitter. Criteria: GeneDx Variant Classification Process June 2021. Collection method: clinical testing. Allele origin: germline. Affected: yes.
Comment: Published functional studies demonstrate a gain of function effect with increased K(ATP) channel activity by reduced mgATP inhibition compared to wild type (PMID: 34359961, 37214333, 26621776, 30089727); In silico analysis supports that this missense variant has a deleterious effect on protein structure/function; Not observed at significant frequency in large population cohorts (gnomAD); This variant is associated with the following publications: (PMID: 22608503, 32865539, 31030551, 36170658, 31828977, 34056838, 39031464, 32100467, 29595750, 36980269, 30089727, 37214333, 26621776, 34359961, 33529173, 33170808)

OMIM
Classification: Pathogenic for HYPERTRICHOTIC OSTEOCHONDRODYSPLASIA. Last evaluated: 2012-06-08. Review status: no assertion criteria provided. Collection method: literature only. Allele origin: germline. Not counted in ClinVar's aggregate classification.

Literature cited by the submitters: PubMed 22608503 (cited by OMIM).